The following is an entry in ClinVar:

ClinVar aggregate classification (germline): Uncertain significance. Review status: criteria provided, multiple submitters, no conflicts (2 of 4 stars). 2 submissions from 2 submitters: Uncertain significance (2). Last evaluated 2025-05-25.

Conditions:
SETX-related disorder. Also called: SETX-related condition; SETX-related disorders. Identifiers: MedGen CN239403.
Amyotrophic lateral sclerosis type 4 (ALS4). Also called: AMYOTROPHIC LATERAL SCLEROSIS 4, JUVENILE; NEURONOPATHY, DISTAL HEREDITARY MOTOR, WITH PYRAMIDAL FEATURES. Identifiers: Orphanet 357043, MedGen C1865409, MONDO:0011223, OMIM 602433.
Spinocerebellar ataxia, autosomal recessive, with axonal neuropathy 2 (SCAN2). Also called: Ataxia with Oculomotor Apraxia Type 2; ATAXIA-OCULOMOTOR APRAXIA 2; Ataxia-ocular apraxia-2; Ataxia with Oculomotor Apraxia. Identifiers: Orphanet 64753, MedGen C1853761, MONDO:0018996, OMIM 606002.

gnomAD v4.1: 6 of 1,614,048 alleles (0.00037%); highest among the groups gnomAD compares: Non-Finnish European, 0.00051%; no homozygotes.

Submissions (2):

PreventionGenetics, part of Exact Sciences
Classification: Uncertain significance for SETX-related condition. Last evaluated: 2025-05-25. Review status: criteria provided, single submitter. Criteria: ACMG Guidelines, 2015. Collection method: clinical testing. Allele origin: germline.
Comment: The SETX c.6503G>A variant is predicted to result in the amino acid substitution p.Arg2168His. To our knowledge, this variant has not been reported in the literature or in a large population database (gnomAD), indicating this variant is rare. At this time, the clinical significance of this variant is uncertain due to the absence of conclusive functional and genetic evidence.

Labcorp Genetics (formerly Invitae), Labcorp
Classification: Uncertain significance for Amyotrophic lateral sclerosis type 4; Spinocerebellar ataxia, autosomal recessive, with axonal neuropathy 2. Last evaluated: 2025-05-02. Review status: criteria provided, single submitter. Criteria: Invitae Variant Classification Sherloc (09022015). Collection method: clinical testing. Allele origin: germline.
Comment: This sequence change replaces arginine, which is basic and polar, with histidine, which is basic and polar, at codon 2168 of the SETX protein (p.Arg2168His). This variant is not present in population databases (gnomAD no frequency). This variant has not been reported in the literature in individuals affected with SETX-related conditions. ClinVar contains an entry for this variant (Variation ID: 3758164). Invitae Evidence Modeling of protein sequence and biophysical properties (such as structural, functional, and spatial information, amino acid conservation, physicochemical variation, residue mobility, and thermodynamic stability) indicates that this missense variant is not expected to disrupt SETX protein function with a negative predictive value of 95%. In summary, the available evidence is currently insufficient to determine the role of this variant in disease. Therefore, it has been classified as a Variant of Uncertain Significance.

NM_015046.7(SETX):c.6503G>A (p.Arg2168His)

Gene: SETX (senataxin; minus strand). Cytogenetic location: 9q34.13.
Variant type: single nucleotide variant.
Coding change: c.6503G>A on transcript NM_015046.7 (MANE Select); coding-DNA position 6503, G replaced by A.
Protein change: p.Arg2168His; replaces arginine 2168 with histidine.
Molecular consequence: missense variant.
Genome position (GRCh38, 1-based): chr9:132,283,307, C>T on the plus strand (G>A on the coding strand, the complement: SETX is on the minus strand). VCF-style: chr9-132283307-C-T. GRCh37 (hg19) VCF-style: chr9-135158694-C-T.
Other names: c.6503G>A, p.Arg2168His (NM_001351527.2, NM_001351528.2); short protein forms R2168H.
Identifiers: ClinVar variation 3758164 (VCV003758164.3).